The following is an entry in ClinVar:

ClinVar aggregate classification (germline): Uncertain significance. Review status: criteria provided, single submitter (1 of 4 stars). 2 submissions from 2 submitters: Uncertain significance (1). 1 of the submissions does not count toward it. Last evaluated 2025-08-12.

Conditions:
STAT4-related disorder. Also called: STAT4-related condition.

gnomAD v4.1: 15 of 1,614,012 alleles (0.00093%); highest among the groups gnomAD compares: African/African-American, 0.0027%; no homozygotes.

Submissions (2):

Labcorp Genetics (formerly Invitae), Labcorp
Classification: Uncertain significance. Last evaluated: 2025-08-12. Review status: criteria provided, single submitter. Criteria: Invitae Variant Classification Sherloc (09022015). Collection method: clinical testing. Allele origin: germline.
Comment: This sequence change replaces valine, which is neutral and non-polar, with isoleucine, which is neutral and non-polar, at codon 506 of the STAT4 protein (p.Val506Ile). This variant is present in population databases (rs749994944, gnomAD no frequency). This variant has not been reported in the literature in individuals affected with STAT4-related conditions. ClinVar contains an entry for this variant (Variation ID: 3350703). Invitae Evidence Modeling of protein sequence and biophysical properties (such as structural, functional, and spatial information, amino acid conservation, physicochemical variation, residue mobility, and thermodynamic stability) indicates that this missense variant is expected to disrupt STAT4 protein function with a positive predictive value of 80%. In summary, the available evidence is currently insufficient to determine the role of this variant in disease. Therefore, it has been classified as a Variant of Uncertain Significance.

PreventionGenetics, part of Exact Sciences
Classification: Uncertain significance for STAT4-related condition. Last evaluated: 2024-08-21. Review status: no assertion criteria provided. Collection method: clinical testing. Allele origin: germline. Not counted in ClinVar's aggregate classification.
Comment: The STAT4 c.1516G>A variant is predicted to result in the amino acid substitution p.Val506Ile. To our knowledge, this variant has not been reported in the literature and is present in 1 allele out ~251,300 alleles in gnomAD. At this time, the clinical significance of this variant is uncertain due to the absence of conclusive functional and genetic evidence.

NM_003151.4(STAT4):c.1516G>A (p.Val506Ile)

Gene: STAT4 (signal transducer and activator of transcription 4; minus strand). Cytogenetic location: 2q32.2.
Variant type: single nucleotide variant.
Coding change: c.1516G>A on transcript NM_003151.4 (MANE Select); coding-DNA position 1516, G replaced by A.
Protein change: p.Val506Ile; replaces valine 506 with isoleucine.
Molecular consequence: missense variant.
Genome position (GRCh38, 1-based): chr2:191,036,218, C>T on the plus strand (G>A on the coding strand, the complement: STAT4 is on the minus strand). VCF-style: chr2-191036218-C-T. GRCh37 (hg19) VCF-style: chr2-191900944-C-T.
Other names: c.1516G>A, p.Val506Ile (NM_001243835.2); short protein forms V506I.
Identifiers: ClinVar variation 3350703 (VCV003350703.2).
Genomic context (GRCh38, chr2:191,036,218, plus strand): 5'-TCTCACCTGTAAGCTTCTCTGCCAGCATATGGAGTTGATCTGAGTTAAGACCACGACCAA[C>T]GTACGATGAAAACTGCCAGCTCATCACCTCCAGTAGTTGACTCAATGTGGCAGGTGGAGG-3'
Protein context (NP_003142.1, residues 496-516): EVMSWQFSSY[Val506Ile]GRGLNSDQLH